The following is an entry in ClinVar:

ClinVar aggregate classification (germline): Likely benign (0 of 4 stars; one submission).

Conditions:
PTH1R-related disorder. Also called: PTH1R-related condition.

Submission:

PreventionGenetics, part of Exact Sciences
Classification: Likely benign for PTH1R-related condition. Last evaluated: 2024-03-27. Review status: no assertion criteria provided. Collection method: clinical testing. Allele origin: germline.
Comment: This variant is classified as likely benign based on ACMG/AMP sequence variant interpretation guidelines (Richards et al. 2015 PMID: 25741868, with internal and published modifications).

NM_000316.3(PTH1R):c.425-8del

Gene: PTH1R (parathyroid hormone 1 receptor; plus strand). Cytogenetic location: 3p21.31.
Variant type: Deletion.
Coding change: c.425-8del on transcript NM_000316.3 (MANE Select); 8 bases into the intron before coding-DNA position 425, one base deleted (A; older notation c.425-8delA).
Molecular consequence: intron variant.
Genome position (GRCh38, 1-based): chr3:46,898,066, A deleted. VCF-style (leftmost placement, unchanged base first): chr3-46898065-GA-G. GRCh37 (hg19) VCF-style: chr3-46939555-GA-G.
Other names: c.425-8del (NM_001184744.1).
Identifiers: ClinVar variation 3354919 (VCV003354919.1).